The following is an entry in ClinVar:

ClinVar aggregate classification (germline): Uncertain significance (1 of 4 stars; one submission).

Conditions:
Charcot-Marie-Tooth disease type 2. Also called: Charcot-Marie-Tooth type 2. Identifiers: Orphanet 64746, MedGen C0270914, MONDO:0018993.

Submission:

Labcorp Genetics (formerly Invitae), Labcorp
Classification: Uncertain significance for Charcot-Marie-Tooth disease type 2. Last evaluated: 2020-06-06. Review status: criteria provided, single submitter. Criteria: Invitae Variant Classification Sherloc (09022015). Collection method: clinical testing. Allele origin: germline.
Comment: This sequence change replaces leucine with phenylalanine at codon 1400 of the KIF1B protein (p.Leu1400Phe). The leucine residue is highly conserved and there is a small physicochemical difference between leucine and phenylalanine. This variant is present in population databases (rs143112560, ExAC 0.001%). This variant has not been reported in the literature in individuals with KIF1B-related conditions. Algorithms developed to predict the effect of missense changes on protein structure and function are either unavailable or do not agree on the potential impact of this missense change (SIFT: "Deleterious"; PolyPhen-2: "Possibly Damaging"; Align-GVGD: "Class C0"). In summary, the available evidence is currently insufficient to determine the role of this variant in disease. Therefore, it has been classified as a Variant of Uncertain Significance.

NM_001365951.3(KIF1B):c.4338A>C (p.Leu1446Phe)

Gene: KIF1B (kinesin family member 1B; plus strand). Cytogenetic location: 1p36.22.
Variant type: single nucleotide variant.
Coding change: c.4338A>C on transcript NM_001365951.3 (MANE Select); coding-DNA position 4338, A replaced by C.
Protein change: p.Leu1446Phe; replaces leucine 1446 with phenylalanine.
Molecular consequence: missense variant.
Genome position (GRCh38, 1-based): chr1:10,363,316, A>C. VCF-style: chr1-10363316-A-C. GRCh37 (hg19) VCF-style: chr1-10423374-A-C.
Other names: c.4338A>C, p.Leu1446Phe (NM_001365952.1); c.4200A>C, p.Leu1400Phe (NM_015074.3); short protein forms L1400F, L1446F.
Identifiers: ClinVar variation 1021631 (VCV001021631.8), dbSNP rs143112560, ClinGen allele CA582051.